The following is an entry in ClinVar:

ClinVar aggregate classification (germline): Pathogenic (1 of 4 stars; one submission).

Conditions:
Ehlers-Danlos syndrome, type 4 (EDSVASC). Also called: Ehlers-Danlos syndrome vascular type; Ehlers Danlos syndrome, ecchymotic type; Ehlers Danlos syndrome, arterial type; Ehlers Danlos syndrome, Sack-Barabas type; Ehlers-Danlos Syndrome Type IV. Identifiers: Orphanet 286, MedGen C0268338, MONDO:0017314, OMIM 130050.

Submission:

Labcorp Genetics (formerly Invitae), Labcorp
Classification: Pathogenic for Ehlers-Danlos syndrome, type 4. Last evaluated: 2024-03-07. Review status: criteria provided, single submitter. Criteria: Invitae Variant Classification Sherloc (09022015). Collection method: clinical testing. Allele origin: germline.
Comment: This sequence change replaces glycine, which is neutral and non-polar, with aspartic acid, which is acidic and polar, at codon 225 of the COL3A1 protein (p.Gly225Asp). This variant is not present in population databases (gnomAD no frequency). This missense change has been observed in individuals with clinical features of vascular Ehlers-Danlos syndrome (PMID: 22019127; Invitae). ClinVar contains an entry for this variant (Variation ID: 1394873). Advanced modeling of protein sequence and biophysical properties (such as structural, functional, and spatial information, amino acid conservation, physicochemical variation, residue mobility, and thermodynamic stability) performed at Invitae indicates that this missense variant is expected to disrupt COL3A1 protein function with a positive predictive value of 95%. This variant disrupts the triple helix domain of COL3A1. Glycine residues within the Gly-Xaa-Yaa repeats of the triple helix domain are required for the structure and stability of fibrillar collagens (PMID: 7695699, 8218237, 19344236). In COL3A1, variants that affect these glycine residues are significantly enriched in individuals with disease (PMID: 24922459, 25758994) compared to the general population (ExAC). This variant disrupts the p.Gly225 amino acid residue in COL3A1. Other variant(s) that disrupt this residue have been observed in individuals with COL3A1-related conditions (PMID: 31126764; Invitae), which suggests that this may be a clinically significant amino acid residue. For these reasons, this variant has been classified as Pathogenic.

Literature cited by the submitters: PubMed 22019127; PubMed 7695699; PubMed 8218237; PubMed 19344236; PubMed 24922459; PubMed 25758994; PubMed 31126764.

NM_000090.4(COL3A1):c.674G>A (p.Gly225Asp)

Gene: COL3A1 (collagen type III alpha 1 chain; plus strand). Cytogenetic location: 2q32.2.
Variant type: single nucleotide variant.
Coding change: c.674G>A on transcript NM_000090.4 (MANE Select); coding-DNA position 674, G replaced by A.
Protein change: p.Gly225Asp; replaces glycine 225 with aspartic acid.
Molecular consequence: missense variant.
Genome position (GRCh38, 1-based): chr2:188,989,433, G>A. VCF-style: chr2-188989433-G-A. GRCh37 (hg19) VCF-style: chr2-189854159-G-A.
Other names: short protein forms G225D.
Identifiers: ClinVar variation 1394873 (VCV001394873.8), dbSNP rs587779533, ClinGen allele CA349848844.
Genomic context (GRCh38, chr2:188,989,433, plus strand): 5'-ATTTTTTATTTCCTTATTTTCAGGGCCCTCCAGGACCTCCTGGTGCTATAGGTCCATCTG[G>A]TCCTGCTGGAAAAGATGTAAGTTTTTAAAACTTAAATAAGAATACAGCAAAATTTAACTT-3'
Protein context (NP_000081.2, residues 215-235): PGPPGAIGPS[Gly225Asp]PAGKDGESGR